The following is an entry in ClinVar:

ClinVar aggregate classification (germline): Uncertain significance (1 of 4 stars; one submission).

Conditions:
Primary familial polycythemia due to EPO receptor mutation. Also called: ERYTHROCYTOSIS, SOMATIC; Primary Familial Congenital Polycythemia; POLYCYTHEMIA, PRIMARY FAMILIAL AND CONGENITAL; Erythrocytosis, familial, 1. Identifiers: Orphanet 90042, MedGen C4551637, MONDO:0007572, OMIM 133100.

Submission:

Neuberg Centre For Genomic Medicine, NCGM
Classification: Uncertain significance for Primary familial polycythemia due to EPO receptor mutation. Review status: criteria provided, single submitter. Criteria: ACMG Guidelines, 2015. Collection method: clinical testing. Allele origin: germline. Inheritance: Autosomal dominant inheritance. Affected: yes.
Comment: The missense c.1414A>Gp.Ser472Gly variant in JAK2 gene has not been reported previously as a pathogenic variant nor as a benign variant, to our knowledge. This variant is novel not in any individuals in gnomAD Exomes and 1000 Genomes. The amino acid Ser at position 472 is changed to a Gly changing protein sequence and it might alter its composition and physico-chemical properties. The amino acid change p.Ser472Gly in JAK2 is predicted as conserved by GERP++ and PhyloP across 100 vertebrates. For these reasons, this variant has been classified as Uncertain Significance.

NM_004972.4(JAK2):c.1414A>G (p.Ser472Gly)

Genes: INSL6 (insulin like 6; minus strand), JAK2 (Janus kinase 2; plus strand). Cytogenetic location: 9p24.1.
Variant type: single nucleotide variant.
Coding change: c.1414A>G on transcript NM_004972.4 (MANE Select); coding-DNA position 1414, A replaced by G.
Protein change: p.Ser472Gly; replaces serine 472 with glycine.
Molecular consequence: missense variant. On other transcripts: non-coding transcript variant (2).
Genome position (GRCh38, 1-based): chr9:5,069,109, A>G. VCF-style: chr9-5069109-A-G. GRCh37 (hg19) VCF-style: chr9-5069109-A-G.
Other names: c.1414A>G, p.Ser472Gly (NM_001322194.2, NM_001322195.2, NM_001322196.2); c.199A>G, p.Ser67Gly (NM_001322198.2, NM_001322199.2); c.967A>G, p.Ser323Gly (NM_001322204.2); short protein forms S323G, S472G, S67G.
Identifiers: ClinVar variation 3234845 (VCV003234845.1), dbSNP rs2489028255, ClinGen allele CA372824960.